The following is an entry in ClinVar:

ClinVar aggregate classification (germline): Pathogenic (1 of 4 stars; one submission).

Submission:

GeneDx
Classification: Pathogenic. Last evaluated: 2013-08-05. Review status: criteria provided, single submitter. Criteria: GeneDx Variant Classification (06012015). Collection method: clinical testing. Allele origin: germline. Affected: yes.
Comment: Although the c.2180dupG variant in the FBN1 gene has not been reported to our knowledge, this variant causes a shift in reading frame starting at codon Cysteine 727, changing it to a Tryptophan, and creating a premature stop codon at position 6 of the new reading frame, denoted p.Cys727TrpfsX6. This variant is expected to result in either an abnormal, truncated protein product or loss of protein from this allele through nonsense-mediated mRNA decay. Other frameshift variants in the FBN1 gene have been reported in association with Marfan syndrome. In summary, c.2180dupG in the FBN1 gene is interpreted as a pathogenic variant.

NM_000138.5(FBN1):c.2180dup (p.Cys727fs)

Gene: FBN1 (fibrillin 1; minus strand). Cytogenetic location: 15q21.1.
Variant type: Duplication.
Coding change: c.2180dup on transcript NM_000138.5 (MANE Select); coding-DNA position 2180, one base duplicated (G; older notation c.2180dupG).
Protein change: p.Cys727fs; shifts the reading frame from cysteine 727.
Molecular consequence: frameshift variant.
Genome position (GRCh38, 1-based): chr15:48,497,379, C duplicated on the plus strand (G on the coding strand, the reverse complement: FBN1 is on the minus strand). VCF-style (leftmost placement, unchanged base first): chr15-48497378-A-AC. GRCh37 (hg19) VCF-style: chr15-48789575-A-AC.
Other names: c.2180dupG (NM_000138.4); short protein forms C727fs.
Identifiers: ClinVar variation 200151 (VCV000200151.2), dbSNP rs794728299, ClinGen allele CA304344.
Genomic context (GRCh38, chr15:48,497,378, plus strand): 5'-TTTATAGGTCCCACGAAGGTTTTCACAGATTCCATTTGGGCAAATATCAGGATCTAGTGC[A>AC]CATTCATTTATATCTGCACCACAAAAAAGGTCAAAATCAATTAAGATTATAAAATAAATA-3'